The following is an entry in ClinVar:

NM_000163.5(GHR):c.876-1G>C

Gene: GHR (growth hormone receptor; plus strand). Cytogenetic location: 5p12.
Variant type: single nucleotide variant.
Coding change: c.876-1G>C on transcript NM_000163.5 (MANE Select); the canonical splice acceptor site of the intron before coding-DNA position 876, G replaced by C.
Molecular consequence: splice acceptor variant. On other transcripts: intron variant (1).
Genome position (GRCh38, 1-based): chr5:42,718,051, G>C. VCF-style: chr5-42718051-G-C. GRCh37 (hg19) VCF-style: chr5-42718153-G-C.
Other names: IVS8AS, G-C, -1; c.810-1G>C (NM_001242460.2); c.876-1G>C (NM_001242400.2, NM_001242401.4, NM_001242402.2 and 4 more transcripts); c.897-1G>C (NM_001242399.2); c.876-402G>C (NM_001242462.1).
Identifiers: ClinVar variation 8646 (VCV000008646.3), dbSNP rs730880308, ClinGen allele CA212904.

ClinVar aggregate classification (germline): Pathogenic. Review status: criteria provided, single submitter (1 of 4 stars). 2 submissions from 2 submitters: Pathogenic (1). 1 of the submissions does not count toward it. Last evaluated 2024-07-15.

Conditions:
Short stature due to partial GHR deficiency. Also called: Growth hormone, insensitivity to, partial; GROWTH HORMONE DEFICIENCY, ISOLATED PARTIAL; GROWTH HORMONE INSENSITIVITY, PARTIAL. Identifiers: Orphanet 314802, Orphanet 314811, MedGen C1858656, MONDO:0011420, OMIM 604271.

Submissions (2):

Labcorp Genetics (formerly Invitae), Labcorp
Classification: Pathogenic. Last evaluated: 2024-07-15. Review status: criteria provided, single submitter. Criteria: Invitae Variant Classification Sherloc (09022015). Collection method: clinical testing. Allele origin: germline.
Comment: This sequence change affects an acceptor splice site in intron 8 of the GHR gene. It is expected to disrupt RNA splicing. Variants that disrupt the donor or acceptor splice site typically lead to a loss of protein function (PMID: 16199547), and loss-of-function variants in GHR are known to be pathogenic (PMID: 1999489, 8488849). This variant is not present in population databases (gnomAD no frequency). Disruption of this splice site has been observed in individual(s) with growth hormone insensitivity (PMID: 9140387). In at least one individual the variant was observed to be de novo. It has also been observed to segregate with disease in related individuals. ClinVar contains an entry for this variant (Variation ID: 8646). Algorithms developed to predict the effect of sequence changes on RNA splicing suggest that this variant may disrupt the consensus splice site. For these reasons, this variant has been classified as Pathogenic.

OMIM
Classification: Pathogenic for GROWTH HORMONE INSENSITIVITY, PARTIAL. Last evaluated: 1997-05-01. Review status: no assertion criteria provided. Collection method: literature only. Allele origin: germline. Not counted in ClinVar's aggregate classification.

Literature cited by the submitters: PubMed 16199547 (cited by Labcorp Genetics (formerly Invitae), Labcorp); PubMed 1999489 (cited by Labcorp Genetics (formerly Invitae), Labcorp); PubMed 8488849 (cited by Labcorp Genetics (formerly Invitae), Labcorp); PubMed 9140387 (cited by Labcorp Genetics (formerly Invitae), Labcorp and OMIM).